The following is an entry in ClinVar:

NM_000742.4(CHRNA2):c.*1159T>C

Gene: CHRNA2 (cholinergic receptor nicotinic alpha 2 subunit; minus strand). Cytogenetic location: 8p21.2.
Variant type: single nucleotide variant.
Coding change: c.*1159T>C on transcript NM_000742.4 (MANE Select); 1159 bases downstream of the stop codon, T replaced by C.
Molecular consequence: 3 prime UTR variant.
Genome position (GRCh38, 1-based): chr8:27,460,470, A>G on the plus strand (T>C on the coding strand, the complement: CHRNA2 is on the minus strand). VCF-style: chr8-27460470-A-G. GRCh37 (hg19) VCF-style: chr8-27317987-A-G.
Other names: c.*1159T>C (NM_001282455.2, NM_001347705.2, NM_001347706.2 and 2 more transcripts).
Identifiers: ClinVar variation 362673 (VCV000362673.6), dbSNP rs1560344, ClinGen allele CA10630760.
Genomic context (GRCh38, chr8:27,460,470, plus strand): 5'-CCACAGCTTTGCCATCTACACAACAGTCCTGGGGCCCAAACAATCCAGCTTGCTCCCCTC[A>G]ACCACTCAGAACAAACGCCCTAAGTGCTGACCCCACTCACCCGGCGCTGTGCTAGGTGCT-3'

ClinVar aggregate classification (germline): Benign. Review status: criteria provided, multiple submitters, no conflicts (2 of 4 stars). 2 submissions from 2 submitters: Benign (2). Last evaluated 2018-01-13.

Conditions:
Autosomal dominant nocturnal frontal lobe epilepsy 4. Also called: EPILEPSY, FAMILIAL, WITH NOCTURNAL WANDERING AND ICTAL FEAR; CHRNA2-Related Nocturnal Frontal Lobe Epilepsy, Autosomal Dominant. Identifiers: Orphanet 98784, MedGen C1835905, MONDO:0012474, OMIM 610353.

Allele frequency attached by ClinVar (database versions not stated): 1000 Genomes Project 30x 0.36227; 1000 Genomes Project 0.36542; TOPMed 0.39986; gnomAD 0.41008 and 0.41116; gnomAD exomes 0.41781.
gnomAD v4.1: 62,639 of 152,172 alleles (41%); highest among the groups gnomAD compares: Middle Eastern, 58%; 13,784 homozygotes.

Submissions (2):

Illumina Laboratory Services, Illumina
Classification: Benign for Autosomal dominant nocturnal frontal lobe epilepsy 4. Last evaluated: 2018-01-13. Review status: criteria provided, single submitter. Criteria: ICSL Variant Classification Criteria 13 December 2019. Collection method: clinical testing. Allele origin: germline.
Comment: This variant was observed in the ICSL laboratory as part of a predisposition screen in an ostensibly healthy population. It had not been previously curated by ICSL or reported in the Human Gene Mutation Database (HGMD: prior to June 1st, 2018), and was therefore a candidate for classification through an automated scoring system. Utilizing variant allele frequency, disease prevalence and penetrance estimates, and inheritance mode, an automated score was calculated to assess if this variant is too frequent to cause the disease. Based on the score and internal cut-off values, a variant classified as benign is not then subjected to further curation. The score for this variant resulted in a classification of benign for this disease.

Breakthrough Genomics
Classification: Benign. Review status: criteria provided, single submitter. Criteria: ACMG Guidelines, 2015. Collection method: not provided. Allele origin: germline. Inheritance: Autosomal dominant inheritance. Affected: yes.